The following is an entry in ClinVar:

NM_000379.4(XDH):c.2146G>A (p.Glu716Lys)

Gene: XDH (xanthine dehydrogenase; minus strand). Cytogenetic location: 2p23.1.
Variant type: single nucleotide variant.
Coding change: c.2146G>A on transcript NM_000379.4 (MANE Select); coding-DNA position 2146, G replaced by A.
Protein change: p.Glu716Lys; replaces glutamic acid 716 with lysine.
Molecular consequence: missense variant.
Genome position (GRCh38, 1-based): chr2:31,368,012, C>T on the plus strand (G>A on the coding strand, the complement: XDH is on the minus strand). VCF-style: chr2-31368012-C-T. GRCh37 (hg19) VCF-style: chr2-31590878-C-T.
Other names: short protein forms E716K.
Identifiers: ClinVar variation 1441781 (VCV001441781.7), dbSNP rs267599347, ClinGen allele CA1598933.

ClinVar aggregate classification (germline): Uncertain significance. Review status: criteria provided, multiple submitters, no conflicts (2 of 4 stars). 2 submissions from 2 submitters: Uncertain significance (2). Last evaluated 2025-09-28.

Conditions:
Xanthinuria type II. Also called: Xanthine dehydrogenase and aldehyde oxidase combined deficiency of; XDH and AOX dual deficiency. Identifiers: Orphanet 3467, Orphanet 93602, MedGen C1863688, MONDO:0011346, OMIM 603592.
Inborn genetic diseases. Identifiers: MedGen C0950123, MeSH D030342.

Allele frequency attached by ClinVar (database versions not stated): gnomAD 0.00001; ExAC 0.00002; gnomAD exomes 0.00001.
gnomAD v4.1: 15 of 1,614,046 alleles (0.00093%); highest among the groups gnomAD compares: South Asian, 0.0088%; no homozygotes.

Submissions (2):

Ambry Genetics
Classification: Uncertain significance for Inborn genetic diseases. Last evaluated: 2025-09-28. Review status: criteria provided, single submitter. Criteria: Ambry Variant Classification Scheme 2023. Collection method: clinical testing. Allele origin: germline.

Labcorp Genetics (formerly Invitae), Labcorp
Classification: Uncertain significance for Xanthinuria type II. Last evaluated: 2021-03-29. Review status: criteria provided, single submitter. Criteria: Invitae Variant Classification Sherloc (09022015). Collection method: clinical testing. Allele origin: germline.
Comment: In summary, the available evidence is currently insufficient to determine the role of this variant in disease. Therefore, it has been classified as a Variant of Uncertain Significance. Algorithms developed to predict the effect of missense changes on protein structure and function (SIFT, PolyPhen-2, Align-GVGD) all suggest that this variant is likely to be tolerated, but these predictions have not been confirmed by published functional studies and their clinical significance is uncertain. This variant has not been reported in the literature in individuals with XDH-related conditions. This variant is present in population databases (rs267599347, ExAC 0.003%). This sequence change replaces glutamic acid with lysine at codon 716 of the XDH protein (p.Glu716Lys). The glutamic acid residue is moderately conserved and there is a small physicochemical difference between glutamic acid and lysine.